The following is an entry in ClinVar:

ClinVar aggregate classification (germline): Uncertain significance. Review status: criteria provided, multiple submitters, no conflicts (2 of 4 stars). 2 submissions from 2 submitters: Uncertain significance (2). Last evaluated 2025-07-10.

Conditions:
Hereditary cancer-predisposing syndrome. Also called: Tumor predisposition; Hereditary Cancer Syndrome; Hereditary neoplastic syndrome; Neoplastic Syndromes, Hereditary. Identifiers: Orphanet 140162, MedGen C0027672, MeSH D009386, MONDO:0015356.

Submissions (2):

Color Diagnostics, LLC DBA Color Health
Classification: Uncertain significance for Hereditary cancer-predisposing syndrome. Last evaluated: 2025-07-10. Review status: criteria provided, single submitter. Criteria: ACMG Guidelines, 2015. Collection method: clinical testing. Allele origin: germline.
Comment: This missense variant replaces serine with tyrosine at codon 532 of the MSH6 protein. Computational prediction suggests that this variant may not impact protein structure and function. To our knowledge, functional studies have not been reported for this variant. This variant has not been reported in individuals affected with MSH6-related disorders in the literature. This variant has not been identified in the general population by the Genome Aggregation Database (gnomAD). The available evidence is insufficient to determine the role of this variant in disease conclusively. Therefore, this variant is classified as a Variant of Uncertain Significance.

Ambry Genetics
Classification: Uncertain significance for Hereditary cancer-predisposing syndrome. Last evaluated: 2023-06-27. Review status: criteria provided, single submitter. Criteria: Ambry Variant Classification Scheme 2023. Collection method: clinical testing. Allele origin: germline.
Comment: The p.S532Y variant (also known as c.1595C>A), located in coding exon 4 of the MSH6 gene, results from a C to A substitution at nucleotide position 1595. The serine at codon 532 is replaced by tyrosine, an amino acid with dissimilar properties. This amino acid position is conserved. In addition, the in silico prediction for this alteration is inconclusive. Since supporting evidence is limited at this time, the clinical significance of this alteration remains unclear.

NM_000179.3(MSH6):c.1595C>A (p.Ser532Tyr)

Gene: MSH6 (mutS homolog 6; plus strand). Cytogenetic location: 2p16.3.
Variant type: single nucleotide variant.
Coding change: c.1595C>A on transcript NM_000179.3 (MANE Select); coding-DNA position 1595, C replaced by A.
Protein change: p.Ser532Tyr; replaces serine 532 with tyrosine.
Molecular consequence: missense variant. On other transcripts: non-coding transcript variant (4), intron variant (1).
Genome position (GRCh38, 1-based): chr2:47,799,578, C>A. VCF-style: chr2-47799578-C-A. GRCh37 (hg19) VCF-style: chr2-48026717-C-A.
Other names: c.1205C>A, p.Ser402Tyr (NM_001281492.2); c.689C>A, p.Ser230Tyr (NM_001281493.2, NM_001281494.2, NM_001406811.1 and 6 more transcripts); c.1691C>A, p.Ser564Tyr (NM_001406795.1, NM_001406802.1); c.1595C>A, p.Ser532Tyr (NM_001406796.1, NM_001406798.1, NM_001406800.1 and 4 more transcripts); c.1298C>A, p.Ser433Tyr (NM_001406797.1, NM_001406801.1, NM_001406805.1 and 10 more transcripts); c.1070C>A, p.Ser357Tyr (NM_001406799.1, NM_001406806.1, NM_001406807.1); c.1517C>A, p.Ser506Tyr (NM_001406804.1); c.1601C>A, p.Ser534Tyr (NM_001406813.1); and 2 more; short protein forms S402Y, S433Y, S476Y, S564Y, S230Y, S357Y, S506Y, S532Y.
Identifiers: ClinVar variation 2587327 (VCV002587327.3), dbSNP rs1572723570, ClinGen allele CA346746926.
Genomic context (GRCh38, chr2:47,799,578, plus strand): 5'-AGATCTGTAGGATCATTACCAAGGGTACACAGACTTACAGTGTGCTGGAAGGTGATCCCT[C>A]TGAGAACTACAGTAAGTATCTTCTTAGCCTCAAAGAAAAAGAGGAAGATTCTTCTGGCCA-3'
Protein context (NP_000170.1, residues 522-542): QTYSVLEGDP[Ser532Tyr]ENYSKYLLSL